The following is an entry in ClinVar:

ClinVar aggregate classification (germline): Uncertain significance. Review status: criteria provided, multiple submitters, no conflicts (2 of 4 stars). 2 submissions from 2 submitters: Uncertain significance (2). Last evaluated 2025-07-09.

Conditions:
GLUT1 deficiency syndrome 1, autosomal recessive. Identifiers: MedGen C3149117.

Submissions (2):

GeneDx
Classification: Uncertain significance. Last evaluated: 2025-07-09. Review status: criteria provided, single submitter. Criteria: GeneDx Variant Classification Process June 2021. Collection method: clinical testing. Allele origin: germline. Affected: yes.
Comment: Not observed at significant frequency in large population cohorts (gnomAD); In silico analysis supports that this missense variant has a deleterious effect on protein structure/function; Has not been previously published as pathogenic or benign to our knowledge

Labcorp Genetics (formerly Invitae), Labcorp
Classification: Uncertain significance for GLUT1 deficiency syndrome 1, autosomal recessive. Last evaluated: 2023-12-28. Review status: criteria provided, single submitter. Criteria: Invitae Variant Classification Sherloc (09022015). Collection method: clinical testing. Allele origin: germline.
Comment: This sequence change replaces phenylalanine, which is neutral and non-polar, with leucine, which is neutral and non-polar, at codon 416 of the SLC2A1 protein (p.Phe416Leu). This variant is not present in population databases (gnomAD no frequency). This variant has not been reported in the literature in individuals affected with SLC2A1-related conditions. Advanced modeling of protein sequence and biophysical properties (such as structural, functional, and spatial information, amino acid conservation, physicochemical variation, residue mobility, and thermodynamic stability) performed at Invitae indicates that this missense variant is expected to disrupt SLC2A1 protein function with a positive predictive value of 95%. In summary, the available evidence is currently insufficient to determine the role of this variant in disease. Therefore, it has been classified as a Variant of Uncertain Significance.

NM_006516.4(SLC2A1):c.1248C>A (p.Phe416Leu)

Gene: SLC2A1 (solute carrier family 2 member 1; minus strand). Cytogenetic location: 1p34.2.
Variant type: single nucleotide variant.
Coding change: c.1248C>A on transcript NM_006516.4 (MANE Select); coding-DNA position 1248, C replaced by A.
Protein change: p.Phe416Leu; replaces phenylalanine 416 with leucine.
Molecular consequence: missense variant.
Genome position (GRCh38, 1-based): chr1:42,927,635, G>T on the plus strand (C>A on the coding strand, the complement: SLC2A1 is on the minus strand). VCF-style: chr1-42927635-G-T. GRCh37 (hg19) VCF-style: chr1-43393306-G-T.
Other names: c.1248C>A (NM_006516.2); short protein forms F416L.
Identifiers: ClinVar variation 2706015 (VCV002706015.6), dbSNP rs2524984297, ClinGen allele CA339953668.
Genomic context (GRCh38, chr1:42,927,635, plus strand): 5'-GGTGAGTATAGAGACAGTGGGGGTTCTCACCTCCACATACTGGAAGCACATGCCCACAAT[G>T]AAATTTGAGGTCCAGTTGGAGAAGCCTGCAACGGCAATGGCAGCTGGACGTGGACCCTGG-3'
Protein context (NP_006507.2, residues 406-426): VAGFSNWTSN[Phe416Leu]IVGMCFQYVE